The following is an entry in ClinVar:

NM_001261826.3(AP3D1):c.1645G>A (p.Val549Ile)

Gene: AP3D1 (adaptor related protein complex 3 subunit delta 1; minus strand). Cytogenetic location: 19p13.3.
Variant type: single nucleotide variant.
Coding change: c.1645G>A on transcript NM_001261826.3 (MANE Select); coding-DNA position 1645, G replaced by A.
Protein change: p.Val549Ile; replaces valine 549 with isoleucine.
Molecular consequence: missense variant.
Genome position (GRCh38, 1-based): chr19:2,118,669, C>T on the plus strand (G>A on the coding strand, the complement: AP3D1 is on the minus strand). VCF-style: chr19-2118669-C-T. GRCh37 (hg19) VCF-style: chr19-2118668-C-T.
Other names: c.1645G>A, p.Val549Ile (NM_001374799.1, NM_003938.8); short protein forms V549I.
Identifiers: ClinVar variation 1441728 (VCV001441728.8), dbSNP rs768613881, ClinGen allele CA9059256.

ClinVar aggregate classification (germline): Uncertain significance (1 of 4 stars; one submission).

Allele frequency attached by ClinVar (database versions not stated): gnomAD 0.00001; gnomAD exomes 0.00001 and 0.00002; TOPMed 0.00001; ExAC 0.00003.
gnomAD v4.1: 21 of 1,612,876 alleles (0.0013%); highest among the groups gnomAD compares: Non-Finnish European, 0.0018%; no homozygotes.

Submission:

Labcorp Genetics (formerly Invitae), Labcorp
Classification: Uncertain significance. Last evaluated: 2024-10-26. Review status: criteria provided, single submitter. Criteria: Invitae Variant Classification Sherloc (09022015). Collection method: clinical testing. Allele origin: germline.
Comment: This sequence change replaces valine, which is neutral and non-polar, with isoleucine, which is neutral and non-polar, at codon 549 of the AP3D1 protein (p.Val549Ile). This variant is present in population databases (rs768613881, gnomAD 0.005%). This variant has not been reported in the literature in individuals affected with AP3D1-related conditions. ClinVar contains an entry for this variant (Variation ID: 1441728). An algorithm developed to predict the effect of missense changes on protein structure and function outputs the following: PolyPhen-2: "Benign". The isoleucine amino acid residue is found in multiple mammalian species, which suggests that this missense change does not adversely affect protein function. In summary, the available evidence is currently insufficient to determine the role of this variant in disease. Therefore, it has been classified as a Variant of Uncertain Significance.